The following is an entry in ClinVar:

ClinVar aggregate classification (germline): Likely pathogenic (1 of 4 stars; one submission).

Submission:

Labcorp Genetics (formerly Invitae), Labcorp
Classification: Likely pathogenic. Last evaluated: 2022-03-23. Review status: criteria provided, single submitter. Criteria: Invitae Variant Classification Sherloc (09022015). Collection method: clinical testing. Allele origin: germline.
Comment: This sequence change affects an acceptor splice site in intron 15 of the MYH3 gene. It is expected to disrupt RNA splicing. Variants that disrupt the donor or acceptor splice site typically lead to a loss of protein function (PMID: 16199547), and loss-of-function variants in MYH3 are known to be pathogenic (PMID: 29805041, 30008475). This variant has not been reported in the literature in individuals affected with MYH3-related conditions. This variant is not present in population databases (gnomAD no frequency). In summary, the currently available evidence indicates that the variant is pathogenic, but additional data are needed to prove that conclusively. Therefore, this variant has been classified as Likely Pathogenic. Algorithms developed to predict the effect of sequence changes on RNA splicing suggest that this variant may disrupt the consensus splice site.

Literature cited by the submitters: PubMed 16199547; PubMed 29805041; PubMed 30008475.

NM_002470.4(MYH3):c.1582-2A>G

Gene: MYH3 (myosin heavy chain 3; minus strand). Cytogenetic location: 17p13.1.
Variant type: single nucleotide variant.
Coding change: c.1582-2A>G on transcript NM_002470.4 (MANE Select); the canonical splice acceptor site of the intron before coding-DNA position 1582, A replaced by G.
Molecular consequence: splice acceptor variant.
Genome position (GRCh38, 1-based): chr17:10,642,725, T>C on the plus strand (A>G on the coding strand, the complement: MYH3 is on the minus strand). VCF-style: chr17-10642725-T-C. GRCh37 (hg19) VCF-style: chr17-10546042-T-C.
Identifiers: ClinVar variation 2116122 (VCV002116122.4), dbSNP rs2508612985, ClinGen allele CA398172238.